The following is an entry in ClinVar:

NM_133433.4(NIPBL):c.8336C>T (p.Thr2779Met)

Gene: NIPBL (NIPBL cohesin loading factor; plus strand). Cytogenetic location: 5p13.2.
Variant type: single nucleotide variant.
Coding change: c.8336C>T on transcript NM_133433.4 (MANE Select); coding-DNA position 8336, C replaced by T.
Protein change: p.Thr2779Met; replaces threonine 2779 with methionine.
Molecular consequence: missense variant. On other transcripts: 3 prime UTR variant (1).
Genome position (GRCh38, 1-based): chr5:37,064,813, C>T. VCF-style: chr5-37064813-C-T. GRCh37 (hg19) VCF-style: chr5-37064915-C-T.
Other names: c.*790C>T (NM_015384.5); short protein forms T2779M.
Identifiers: ClinVar variation 159246 (VCV000159246.9), dbSNP rs587784057, ClinGen allele CA272327.

ClinVar aggregate classification (germline): Uncertain significance. Review status: criteria provided, multiple submitters, no conflicts (2 of 4 stars). 3 submissions from 3 submitters: Uncertain significance (3). Last evaluated 2021-07-15.

Conditions:
Cornelia de Lange syndrome 1 (CDLS1). Also called: Brachmann de Lange syndrome; NIPBL-Related Cornelia de Lange Syndrome; TYPUS DEGENERATIVUS AMSTELODAMENSIS. Identifiers: Orphanet 199, MedGen C4551851, MONDO:0007387, OMIM 122470.

Submissions (3):

Genome-Nilou Lab
Classification: Uncertain significance for Cornelia de Lange syndrome 1. Last evaluated: 2021-07-15. Review status: criteria provided, single submitter. Criteria: ACMG Guidelines, 2015. Collection method: clinical testing. Allele origin: germline. Affected: no.

GeneDx
Classification: Uncertain significance. Last evaluated: 2019-12-26. Review status: criteria provided, single submitter. Criteria: GeneDx Variant Classification Process June 2021. Collection method: clinical testing. Allele origin: germline. Affected: yes.
Comment: Not observed in large population cohorts (Lek et al., 2016); In silico analysis, which includes protein predictors and evolutionary conservation, supports that this variant does not alter protein structure/function; Has not been previously published as pathogenic or benign to our knowledge

Genetic Services Laboratory, University of Chicago
Classification: Uncertain significance for Cornelia de Lange syndrome 1. Last evaluated: 2013-02-08. Review status: criteria provided, single submitter. Criteria: ACMG Guidelines, 2007. Collection method: clinical testing. Allele origin: germline. Inheritance: Autosomal dominant inheritance.